The following is an entry in ClinVar:

ClinVar aggregate classification (germline): Uncertain significance. Review status: criteria provided, multiple submitters, no conflicts (2 of 4 stars). 2 submissions from 2 submitters: Uncertain significance (2). Last evaluated 2025-02-21.

Conditions:
Hereditary cancer-predisposing syndrome. Also called: Hereditary Cancer Syndrome; Hereditary neoplastic syndrome; Tumor predisposition; Neoplastic Syndromes, Hereditary. Identifiers: Orphanet 140162, MedGen C0027672, MeSH D009386, MONDO:0015356.
Tuberous sclerosis 2 (TSC2). Identifiers: Orphanet 805, MedGen C1860707, MONDO:0013199, OMIM 613254.

Allele frequency attached by ClinVar (database versions not stated): gnomAD exomes below 0.00001.
gnomAD v4.1: 1 of 1,613,872 alleles (0.000062%); highest among the groups gnomAD compares: Non-Finnish European, 0.000085%; no homozygotes.

Submissions (2):

Ambry Genetics
Classification: Uncertain significance for Hereditary cancer-predisposing syndrome. Last evaluated: 2025-02-21. Review status: criteria provided, single submitter. Criteria: Ambry Variant Classification Scheme 2023. Collection method: clinical testing. Allele origin: germline.
Comment: The p.V550M variant (also known as c.1648G>A), located in coding exon 15 of the TSC2 gene, results from a G to A substitution at nucleotide position 1648. The valine at codon 550 is replaced by methionine, an amino acid with highly similar properties. This amino acid position is conserved. In addition, this alteration is predicted to be tolerated by in silico analysis. Based on the available evidence, the clinical significance of this variant remains unclear.

Labcorp Genetics (formerly Invitae), Labcorp
Classification: Uncertain significance for Tuberous sclerosis 2. Last evaluated: 2020-12-20. Review status: criteria provided, single submitter. Criteria: Invitae Variant Classification Sherloc (09022015). Collection method: clinical testing. Allele origin: germline.
Comment: This variant is not present in population databases (ExAC no frequency). This sequence change replaces valine with methionine at codon 550 of the TSC2 protein (p.Val550Met). The valine residue is weakly conserved and there is a small physicochemical difference between valine and methionine. In summary, the available evidence is currently insufficient to determine the role of this variant in disease. Therefore, it has been classified as a Variant of Uncertain Significance. Advanced modeling of protein sequence and biophysical properties (such as structural, functional, and spatial information, amino acid conservation, physicochemical variation, residue mobility, and thermodynamic stability) performed at Invitae indicates that this missense variant is not expected to disrupt TSC2 protein function. This variant has not been reported in the literature in individuals with TSC2-related conditions.

NM_000548.5(TSC2):c.1648G>A (p.Val550Met)

Gene: TSC2 (TSC complex subunit 2; plus strand). Cytogenetic location: 16p13.3.
Variant type: single nucleotide variant.
Coding change: c.1648G>A on transcript NM_000548.5 (MANE Select); coding-DNA position 1648, G replaced by A.
Protein change: p.Val550Met; replaces valine 550 with methionine.
Molecular consequence: missense variant.
Genome position (GRCh38, 1-based): chr16:2,065,567, G>A. VCF-style: chr16-2065567-G-A. GRCh37 (hg19) VCF-style: chr16-2115568-G-A.
Other names: c.1648G>A (NM_000548.3); c.1648G>A, p.Val550Met (NM_001077183.3, NM_001114382.3, NM_001363528.2 and 3 more transcripts); c.1537G>A, p.Val513Met (NM_001318827.2); c.1501G>A, p.Val501Met (NM_001318829.2); c.1048G>A, p.Val350Met (NM_001318831.2); c.1681G>A, p.Val561Met (NM_001318832.2); short protein forms V501M, V513M, V550M, V561M, V350M.
Identifiers: ClinVar variation 1357890 (VCV001357890.9), dbSNP rs2087232543, ClinGen allele CA394267946.
Genomic context (GRCh38, chr16:2,065,567, plus strand): 5'-TTCTCTTCAAAGGTGATGGCCCGCTCCCTCTCCCCACCCCCGGAGCTGGAAGAAAGGGAT[G>A]TGGCCGCATACTCGGCCTCCTTGGAGGATGTGAAGACAGCCGTCCTGGGGCTTCTGGTCA-3'
Protein context (NP_000539.2, residues 540-560): SPPPELEERD[Val550Met]AAYSASLEDV